The following is an entry in ClinVar:

ClinVar aggregate classification (germline): Pathogenic/Likely pathogenic. Review status: criteria provided, multiple submitters, no conflicts (2 of 4 stars). 2 submissions from 2 submitters: Pathogenic (1); Likely pathogenic (1). Last evaluated 2023-11-24.

Conditions:
Fanconi anemia (FA). Also called: Fanconi's anemia. Identifiers: Orphanet 84, MedGen C0015625, MeSH D005199, MONDO:0019391.
Fanconi anemia complementation group D2. Also called: FANCD2-Related Fanconi Anemia; FANCONI PANCYTOPENIA, TYPE 4; FANCONI ANEMIA, COMPLEMENTATION GROUP D. Identifiers: Orphanet 84, MedGen C3160738, MONDO:0009214, OMIM 227646.

Submissions (2):

Labcorp Genetics (formerly Invitae), Labcorp
Classification: Pathogenic for Fanconi anemia. Last evaluated: 2023-11-24. Review status: criteria provided, single submitter. Criteria: Invitae Variant Classification Sherloc (09022015). Collection method: clinical testing. Allele origin: germline.
Comment: This sequence change creates a premature translational stop signal (p.Ile236Argfs*19) in the FANCD2 gene. It is expected to result in an absent or disrupted protein product. Loss-of-function variants in FANCD2 are known to be pathogenic (PMID: 17436244). This variant is not present in population databases (gnomAD no frequency). This variant has not been reported in the literature in individuals affected with FANCD2-related conditions. ClinVar contains an entry for this variant (Variation ID: 1068891). Algorithms developed to predict the effect of sequence changes on RNA splicing suggest that this variant may disrupt the consensus splice site. For these reasons, this variant has been classified as Pathogenic.

Fulgent Genetics
Classification: Likely pathogenic for Fanconi anemia complementation group D2. Last evaluated: 2021-07-29. Review status: criteria provided, single submitter. Criteria: ACMG Guidelines, 2015. Collection method: clinical testing. Allele origin: unknown.

Literature cited by the submitters: PubMed 17436244 (cited by Labcorp Genetics (formerly Invitae), Labcorp).

NM_001018115.3(FANCD2):c.707_708del (p.Ile236fs)

Genes: FANCD2 (FA complementation group D2; plus strand), LOC107303338 (3p25 FANCD2 Alu-mediated recombination region; plus strand). Cytogenetic location: 3p25.3.
Variant type: Deletion.
Coding change: c.707_708del on transcript NM_001018115.3 (MANE Select); coding-DNA positions 707 to 708, 2 bases deleted (TA; older notation c.707_708delTA).
Protein change: p.Ile236fs; shifts the reading frame from isoleucine 236.
Molecular consequence: frameshift variant.
Genome position (GRCh38, 1-based): chr3:10,041,634-10,041,635, TA deleted; deleting any 2 consecutive bases within chr3:10,041,633-10,041,635 gives the same sequence; the c. name uses the placement nearest the transcript's 3' end. VCF-style (leftmost placement, unchanged base first): chr3-10041632-GAT-G. GRCh37 (hg19) VCF-style: chr3-10083316-GAT-G.
Other names: c.707_708del, p.Ile236fs (NM_001319984.2, NM_001374253.1, NM_001374254.1 and 1 more transcripts); short protein forms I236fs.
Identifiers: ClinVar variation 1068891 (VCV001068891.8), dbSNP rs2086865775, ClinGen allele CA1345028123.